The following is an entry in ClinVar:

ClinVar aggregate classification (germline): Uncertain significance (1 of 4 stars; one submission).

Allele frequency attached by ClinVar (database versions not stated): gnomAD exomes below 0.00001; TOPMed below 0.00001; gnomAD 0.00001.
gnomAD v4.1: 5 of 1,613,188 alleles (0.00031%); highest among the groups gnomAD compares: Non-Finnish European, 0.00042%; no homozygotes.

Submission:

Laboratory for Molecular Medicine, Mass General Brigham Personalized Medicine
Classification: Uncertain significance. Last evaluated: 2018-10-30. Review status: criteria provided, single submitter. Criteria: LMM Criteria. Collection method: clinical testing. Allele origin: germline. Observed: 1 variant allele.
Comment: The p.Trp519Arg variant in SLITRK6 has not been previously reported in individua ls with hearing loss and myopia, but it has been identified in 0.006% (1/15416) of European chromosomes by gnomAD. Computatio nal prediction tools and conservation analysis suggest that this variant may imp act the protein, though this information is not predictive enough to determine p athogenicity. In summary, the clinical significance of the p.Trp519Arg variant i s uncertain. ACMG/AMP Criteria applied: PM2, PP3.

NM_032229.3(SLITRK6):c.1555T>C (p.Trp519Arg)

Gene: SLITRK6 (SLIT and NTRK like family member 6; minus strand). Cytogenetic location: 13q31.1.
Variant type: single nucleotide variant.
Coding change: c.1555T>C on transcript NM_032229.3 (MANE Select); coding-DNA position 1555, T replaced by C.
Protein change: p.Trp519Arg; replaces tryptophan 519 with arginine.
Molecular consequence: missense variant.
Genome position (GRCh38, 1-based): chr13:85,794,954, A>G on the plus strand (T>C on the coding strand, the complement: SLITRK6 is on the minus strand). VCF-style: chr13-85794954-A-G. GRCh37 (hg19) VCF-style: chr13-86369089-A-G.
Other names: short protein forms W519R.
Identifiers: ClinVar variation 666920 (VCV000666920.4), dbSNP rs1200848224, ClinGen allele CA388375364.